The following is an entry in ClinVar:

ClinVar aggregate classification (germline): Uncertain significance (1 of 4 stars; one submission).

Conditions:
Hyperekplexia 3 (HKPX3). Also called: HYPEREKPLEXIA 3, AUTOSOMAL RECESSIVE; HYPEREKPLEXIA 3, AUTOSOMAL DOMINANT. Identifiers: Orphanet 3197, MedGen C3553288, MONDO:0013827, OMIM 614618.

Submission:

Labcorp Genetics (formerly Invitae), Labcorp
Classification: Uncertain significance for Hyperekplexia 3. Last evaluated: 2026-01-19. Review status: criteria provided, single submitter. Criteria: Invitae Variant Classification Sherloc (09022015). Collection method: clinical testing. Allele origin: germline.
Comment: This sequence change replaces glutamic acid, which is acidic and polar, with alanine, which is neutral and non-polar, at codon 552 of the SLC6A5 protein (p.Glu552Ala). This variant is not present in population databases (gnomAD no frequency). This variant has not been reported in the literature in individuals affected with SLC6A5-related conditions. ClinVar contains an entry for this variant (Variation ID: 1420914). Invitae Evidence Modeling of protein sequence and biophysical properties (such as structural, functional, and spatial information, amino acid conservation, physicochemical variation, residue mobility, and thermodynamic stability) indicates that this missense variant is not expected to disrupt SLC6A5 protein function with a negative predictive value of 95%. In summary, the available evidence is currently insufficient to determine the role of this variant in disease. Therefore, it has been classified as a Variant of Uncertain Significance.

NM_004211.5(SLC6A5):c.1655A>C (p.Glu552Ala)

Gene: SLC6A5 (solute carrier family 6 member 5; plus strand). Cytogenetic location: 11p15.1.
Variant type: single nucleotide variant.
Coding change: c.1655A>C on transcript NM_004211.5 (MANE Select); coding-DNA position 1655, A replaced by C.
Protein change: p.Glu552Ala; replaces glutamic acid 552 with alanine.
Molecular consequence: missense variant.
Genome position (GRCh38, 1-based): chr11:20,636,337, A>C. VCF-style: chr11-20636337-A-C. GRCh37 (hg19) VCF-style: chr11-20657883-A-C.
Other names: c.953A>C, p.Glu318Ala (NM_001318369.2); short protein forms E318A, E552A.
Identifiers: ClinVar variation 1420914 (VCV001420914.6), dbSNP rs2133808423, ClinGen allele CA379917874.